The following is an entry in ClinVar:

ClinVar aggregate classification (germline): Uncertain significance. Review status: criteria provided, single submitter (1 of 4 stars). 2 submissions from 2 submitters: Uncertain significance (1). 1 of the submissions does not count toward it. Last evaluated 2022-09-29.

Conditions:
ARHGEF28-related disorder. Also called: ARHGEF28-related condition.

Allele frequency attached by ClinVar (database versions not stated): gnomAD exomes 0.00006; TOPMed 0.00008; gnomAD 0.00012; ExAC 0.00017.
gnomAD v4.1: 122 of 1,613,470 alleles (0.0076%); highest among the groups gnomAD compares: Admixed American, 0.028%; no homozygotes.

Submissions (2):

Ambry Genetics
Classification: Uncertain significance. Last evaluated: 2022-09-29. Review status: criteria provided, single submitter. Criteria: Ambry Variant Classification Scheme 2023. Collection method: clinical testing. Allele origin: germline.

PreventionGenetics, part of Exact Sciences
Classification: Likely benign for ARHGEF28-related condition. Last evaluated: 2023-07-13. Review status: no assertion criteria provided. Collection method: clinical testing. Allele origin: germline. Not counted in ClinVar's aggregate classification.
Comment: This variant is classified as likely benign based on ACMG/AMP sequence variant interpretation guidelines (Richards et al. 2015 PMID: 25741868, with internal and published modifications).

NM_001177693.2(ARHGEF28):c.1769C>T (p.Ser590Leu)

Gene: ARHGEF28 (Rho guanine nucleotide exchange factor 28; plus strand). Cytogenetic location: 5q13.2.
Variant type: single nucleotide variant.
Coding change: c.1769C>T on transcript NM_001177693.2 (MANE Select); coding-DNA position 1769, C replaced by T.
Protein change: p.Ser590Leu; replaces serine 590 with leucine.
Molecular consequence: missense variant.
Genome position (GRCh38, 1-based): chr5:73,852,671, C>T. VCF-style: chr5-73852671-C-T. GRCh37 (hg19) VCF-style: chr5-73148496-C-T.
Other names: c.1769C>T, p.Ser590Leu (NM_001080479.3, NM_001388078.1); c.830C>T, p.Ser277Leu (NM_001244364.2); c.1475C>T, p.Ser492Leu (NM_001388076.1); short protein forms S277L, S492L, S590L.
Identifiers: ClinVar variation 3039042 (VCV003039042.3), dbSNP rs764033663, ClinGen allele CA3304632.